The following is an entry in ClinVar:

NM_002907.4(RECQL):c.1926_1928del (p.Lys643del)

Genes: PYROXD1 (pyridine nucleotide-disulphide oxidoreductase domain 1; plus strand), RECQL (RecQ like helicase; minus strand). Cytogenetic location: 12p12.1.
Variant type: Deletion.
Coding change: c.1926_1928del on transcript NM_002907.4 (MANE Select); coding-DNA positions 1926 to 1928, 3 bases deleted (GAA; older notation c.1926_1928delGAA).
Protein change: p.Lys643del; deletes lysine 643.
Molecular consequence: 3 prime UTR variant (on NM_024854.5).
Genome position (GRCh38, 1-based): chr12:21,470,216-21,470,218, TTC deleted on the plus strand (GAA on the coding strand, the reverse complement: RECQL is on the minus strand); deleting any 3 consecutive bases within chr12:21,470,216-21,470,220 gives the same sequence; the c. name uses the placement nearest the transcript's 3' end. VCF-style (leftmost placement, unchanged base first): chr12-21470215-TTTC-T. GRCh37 (hg19) VCF-style: chr12-21623149-TTTC-T.
Other names: c.1926_1928del (NM_002907.3); c.1926_1928del, p.Lys643del (NM_032941.3); c.*1464_*1466del (NM_001350912.2, NM_001350913.2, NM_024854.5); short protein forms K643del.
Identifiers: ClinVar variation 3574537 (VCV003574537.2).

ClinVar aggregate classification (germline): Uncertain significance. Review status: criteria provided, multiple submitters, no conflicts (2 of 4 stars). 2 submissions from 2 submitters: Uncertain significance (2). Last evaluated 2025-02-18.

Conditions:
RECON progeroid syndrome (RECON). Identifiers: MedGen C5830504, MONDO:0957266, OMIM 620370.

Submissions (2):

Quest Diagnostics Nichols Institute San Juan Capistrano
Classification: Uncertain significance. Last evaluated: 2025-02-18. Review status: criteria provided, single submitter. Criteria: Quest Diagnostics criteria. Collection method: clinical testing. Allele origin: unknown.
Comment: The RECQL c.1926_1928del (p.Lys643del) variant has not been reported in individuals with RECQL-related conditions in the published literature. It also has not been reported in large, multi-ethnic general populations (Genome Aggregation Database). Based on the available information, we are unable to determine the clinical significance of this variant.

Fulgent Genetics
Classification: Uncertain significance for RECON progeroid syndrome. Last evaluated: 2024-01-17. Review status: criteria provided, single submitter. Criteria: ACMG Guidelines, 2015. Collection method: clinical testing. Allele origin: germline.